The following is an entry in ClinVar:

ClinVar aggregate classification (germline): Conflicting classifications of pathogenicity. Review status: criteria provided, conflicting classifications (1 of 4 stars). 2 submissions from 2 submitters: Uncertain significance (1); Likely benign (1). Last evaluated 2026-07-01.

Conditions:
Emery-Dreifuss muscular dystrophy 5, autosomal dominant (EDMD5). Also called: EMERY-DREIFUSS MUSCULAR DYSTROPHY 5. Identifiers: Orphanet 261, MedGen C2751805, MONDO:0013072, OMIM 612999.

Allele frequency attached by ClinVar (database versions not stated): ExAC 0.00001; gnomAD 0.00001; gnomAD exomes 0.00001 and 0.00003; TOPMed 0.00001.

Submissions (2):

CeGaT Center for Human Genetics Tuebingen
Classification: Likely benign. Last evaluated: 2026-07-01. Review status: criteria provided, single submitter. Criteria: CeGaT Center For Human Genetics Tuebingen Variant Classification Criteria Version 2. Collection method: clinical testing. Allele origin: germline. Affected: yes. Observed: 1 variant allele.
Comment: SYNE2: PP3, BS2

Labcorp Genetics (formerly Invitae), Labcorp
Classification: Uncertain significance for Emery-Dreifuss muscular dystrophy 5, autosomal dominant. Last evaluated: 2022-06-04. Review status: criteria provided, single submitter. Criteria: Invitae Variant Classification Sherloc (09022015). Collection method: clinical testing. Allele origin: germline.
Comment: In summary, the available evidence is currently insufficient to determine the role of this variant in disease. Therefore, it has been classified as a Variant of Uncertain Significance. Algorithms developed to predict the effect of sequence changes on RNA splicing suggest that this variant may disrupt the consensus splice site. ClinVar contains an entry for this variant (Variation ID: 653838). This variant has not been reported in the literature in individuals affected with SYNE2-related conditions. This variant is present in population databases (rs756704685, gnomAD 0.02%). This sequence change falls in intron 54 of the SYNE2 gene. It does not directly change the encoded amino acid sequence of the SYNE2 protein.

NM_182914.3(SYNE2):c.11023-24_11023-9del

Gene: SYNE2 (spectrin repeat containing nuclear envelope protein 2; plus strand). Cytogenetic location: 14q23.2.
Variant type: Deletion.
Coding change: c.11023-24_11023-9del on transcript NM_182914.3 (MANE Select); 24 bases into the intron before coding-DNA position 11023 through 9 bases into the intron before coding-DNA position 11023, 16 bases deleted (AATGCGTCTTTGTCTC).
Molecular consequence: intron variant.
Genome position (GRCh38, 1-based): chr14:64,078,442-64,078,457, AATGCGTCTTTGTCTC deleted. VCF-style (leftmost placement, unchanged base first): chr14-64078441-AAATGCGTCTTTGTCTC-A. GRCh37 (hg19) VCF-style: chr14-64545159-AAATGCGTCTTTGTCTC-A.
Other names: c.11023-24_11023-9delAATGCGTCTTTGTCTC (NM_182914.2); c.11023-24_11023-9del (NM_015180.6).
Identifiers: ClinVar variation 653838 (VCV000653838.9), dbSNP rs756704685, ClinGen allele CA7221680.